The following is an entry in ClinVar:

ClinVar aggregate classification (germline): Likely benign (1 of 4 stars; one submission).

Conditions:
Hereditary xanthinuria type 1 (XAN1). Identifiers: Orphanet 3467, Orphanet 93601, MedGen C0268118, MONDO:0010209, OMIM 278300.

Allele frequency attached by ClinVar (database versions not stated): 1000 Genomes Project 30x 0.00406; 1000 Genomes Project 0.00459; TOPMed 0.00496.
gnomAD v4.1: 932 of 661,948 alleles (0.14%); highest among the groups gnomAD compares: African/African-American, 1.6%; 7 homozygotes.

Submission:

Illumina Laboratory Services, Illumina
Classification: Likely benign for Hereditary xanthinuria type 1. Last evaluated: 2018-01-12. Review status: criteria provided, single submitter. Criteria: ICSL Variant Classification Criteria 13 December 2019. Collection method: clinical testing. Allele origin: germline.
Comment: This variant was observed in the ICSL laboratory as part of a predisposition screen in an ostensibly healthy population. It had not been previously curated by ICSL or reported in the Human Gene Mutation Database (HGMD: prior to June 1st, 2018), and was therefore a candidate for classification through an automated scoring system. Utilizing variant allele frequency, disease prevalence and penetrance estimates, and inheritance mode, an automated score was calculated to assess if this variant is too frequent to cause the disease. Based on the score and internal cut-off values, a variant classified as likely benign is not then subjected to further curation. The score for this variant resulted in a classification of likely benign for this disease.

NM_000379.4(XDH):c.*193G>T

Gene: XDH (xanthine dehydrogenase; minus strand). Cytogenetic location: 2p23.1.
Variant type: single nucleotide variant.
Coding change: c.*193G>T on transcript NM_000379.4 (MANE Select); 193 bases downstream of the stop codon, G replaced by T.
Molecular consequence: 3 prime UTR variant.
Genome position (GRCh38, 1-based): chr2:31,335,765, C>A on the plus strand (G>T on the coding strand, the complement: XDH is on the minus strand). VCF-style: chr2-31335765-C-A. GRCh37 (hg19) VCF-style: chr2-31558631-C-A.
Identifiers: ClinVar variation 896853 (VCV000896853.4), dbSNP rs147693897, ClinGen allele CA44710946.